The following is an entry in ClinVar:

ClinVar aggregate classification (germline): Pathogenic (1 of 4 stars; one submission).

Conditions:
Breast-ovarian cancer, familial, susceptibility to, 2 (BROVCA2). Also called: BRCA2 Hereditary Breast and Ovarian Cancer. Identifiers: Orphanet 145, MedGen C2675520, MONDO:0012933, OMIM 612555. Disease mechanism: loss of function.

Submission:

Myriad Genetics, Inc.
Classification: Pathogenic for Breast-ovarian cancer, familial, susceptibility to, 2. Last evaluated: 2024-12-10. Review status: criteria provided, single submitter. Criteria: Myriad Autosomal Dominant, Autosomal Recessive and X-Linked Classification Criteria (2023). Collection method: clinical testing. Allele origin: unknown.
Comment: This variant is considered pathogenic. This variant creates a frameshift predicted to result in premature protein truncation.

NM_000059.4(BRCA2):c.8658del (p.Ser2887fs)

Gene: BRCA2 (BRCA2 DNA repair associated; plus strand). Cytogenetic location: 13q13.1.
Variant type: Deletion.
Coding change: c.8658del on transcript NM_000059.4 (MANE Select); coding-DNA position 8658, one base deleted (A; older notation c.8658delA).
Protein change: p.Ser2887fs; shifts the reading frame from serine 2887.
Molecular consequence: frameshift variant. On other transcripts: non-coding transcript variant (1).
Genome position (GRCh38, 1-based): chr13:32,376,695, A deleted. VCF-style (leftmost placement, unchanged base first): chr13-32376694-CA-C. GRCh37 (hg19) VCF-style: chr13-32950831-CA-C.
Other names: c.8562del, p.Ser2855fs (NM_001406719.1); c.8658del, p.Ser2887fs (NM_001406720.1, NM_001432077.1); c.3726del, p.Ser1243fs (NM_001406721.1); c.2241del, p.Ser748fs (NM_001406722.1); short protein forms S1243fs, S2855fs, S2887fs, S748fs.
Identifiers: ClinVar variation 3773541 (VCV003773541.1).